The following is an entry in ClinVar:

NM_002439.5(MSH3):c.599T>C (p.Leu200Pro)

Gene: MSH3 (mutS homolog 3; plus strand). Cytogenetic location: 5q14.1.
Variant type: single nucleotide variant.
Coding change: c.599T>C on transcript NM_002439.5 (MANE Select); coding-DNA position 599, T replaced by C.
Protein change: p.Leu200Pro; replaces leucine 200 with proline.
Molecular consequence: missense variant.
Genome position (GRCh38, 1-based): chr5:80,670,116, T>C. VCF-style: chr5-80670116-T-C. GRCh37 (hg19) VCF-style: chr5-79965935-T-C.
Other names: c.599T>C (NM_002439.3); short protein forms L200P.
Identifiers: ClinVar variation 653143 (VCV000653143.11), dbSNP rs1580550124, ClinGen allele CA360265915.

ClinVar aggregate classification (germline): Uncertain significance. Review status: criteria provided, multiple submitters, no conflicts (2 of 4 stars). 2 submissions from 2 submitters: Uncertain significance (2). Last evaluated 2026-04-12.

Conditions:
Hereditary cancer-predisposing syndrome. Also called: Tumor predisposition; Hereditary Cancer Syndrome; Neoplastic Syndromes, Hereditary; Hereditary neoplastic syndrome. Identifiers: Orphanet 140162, MedGen C0027672, MeSH D009386, MONDO:0015356.

Submissions (2):

Ambry Genetics
Classification: Uncertain significance for Hereditary cancer-predisposing syndrome. Last evaluated: 2026-04-12. Review status: criteria provided, single submitter. Criteria: Ambry Variant Classification Scheme 2023. Collection method: clinical testing. Allele origin: germline.
Comment: The p.L200P variant (also known as c.599T>C), located in coding exon 4 of the MSH3 gene, results from a T to C substitution at nucleotide position 599. The leucine at codon 200 is replaced by proline, an amino acid with similar properties. This amino acid position is conserved. In addition, this alteration is predicted to be tolerated by in silico analysis. Based on the available evidence, the clinical significance of this variant remains unclear.

Labcorp Genetics (formerly Invitae), Labcorp
Classification: Uncertain significance. Last evaluated: 2023-06-16. Review status: criteria provided, single submitter. Criteria: Invitae Variant Classification Sherloc (09022015). Collection method: clinical testing. Allele origin: germline.
Comment: In summary, the available evidence is currently insufficient to determine the role of this variant in disease. Therefore, it has been classified as a Variant of Uncertain Significance. An algorithm developed to predict the effect of missense changes on protein structure and function (PolyPhen-2) suggests that this variant is likely to be tolerated. ClinVar contains an entry for this variant (Variation ID: 653143). This variant has not been reported in the literature in individuals affected with MSH3-related conditions. This variant is not present in population databases (gnomAD no frequency). This sequence change replaces leucine, which is neutral and non-polar, with proline, which is neutral and non-polar, at codon 200 of the MSH3 protein (p.Leu200Pro).